The following is an entry in ClinVar:

ClinVar aggregate classification (germline): Benign (0 of 4 stars; one submission).

Conditions:
SOHLH2-related disorder. Also called: SOHLH2-related condition.

Allele frequency attached by ClinVar (database versions not stated): gnomAD 0.02339; 1000 Genomes Project 0.02376; 1000 Genomes Project 30x 0.02467; ESP Exome Variant Server 0.02468; TOPMed 0.02543.
gnomAD v4.1: 15,994 of 1,613,844 alleles (0.99%); highest among the groups gnomAD compares: African/African-American, 6.3%; 274 homozygotes.

Submission:

PreventionGenetics, part of Exact Sciences
Classification: Benign for SOHLH2-related condition. Last evaluated: 2019-10-07. Review status: no assertion criteria provided. Collection method: clinical testing. Allele origin: germline.
Comment: This variant is classified as benign based on ACMG/AMP sequence variant interpretation guidelines (Richards et al. 2015 PMID: 25741868, with internal and published modifications).

NM_017826.3(SOHLH2):c.492C>T (p.Ser164=)

Genes: CCDC169-SOHLH2 (CCDC169-SOHLH2 readthrough; minus strand), SOHLH2 (spermatogenesis and oogenesis specific basic helix-loop-helix 2; minus strand). Cytogenetic location: 13q13.3.
Variant type: single nucleotide variant.
Coding change: c.492C>T on transcript NM_017826.3 (MANE Select); coding-DNA position 492, C replaced by T.
Protein change: p.Ser164=; no amino-acid change (serine 164 retained).
Molecular consequence: synonymous variant.
Genome position (GRCh38, 1-based): chr13:36,191,833, G>A on the plus strand (C>T on the coding strand, the complement: SOHLH2 is on the minus strand). VCF-style: chr13-36191833-G-A. GRCh37 (hg19) VCF-style: chr13-36765970-G-A.
Other names: c.723C>T, p.Ser241= (NM_001198910.2); c.492C>T, p.Ser164= (NM_001282147.2).
Identifiers: ClinVar variation 3037375 (VCV003037375.2), dbSNP rs9602419, ClinGen allele CA6948935.